The following is an entry in ClinVar:

NM_000541.5(SAG):c.838A>G (p.Lys280Glu)

Gene: SAG (S-antigen visual arrestin; plus strand). Cytogenetic location: 2q37.1.
Variant type: single nucleotide variant.
Coding change: c.838A>G on transcript NM_000541.5 (MANE Select); coding-DNA position 838, A replaced by G.
Protein change: p.Lys280Glu; replaces lysine 280 with glutamic acid.
Molecular consequence: missense variant.
Genome position (GRCh38, 1-based): chr2:233,334,993, A>G. VCF-style: chr2-233334993-A-G. GRCh37 (hg19) VCF-style: chr2-234243639-A-G.
Other names: short protein forms K280E.
Identifiers: ClinVar variation 335071 (VCV000335071.11), dbSNP rs373986650, ClinGen allele CA2174560.

ClinVar aggregate classification (germline): Uncertain significance. Review status: criteria provided, multiple submitters, no conflicts (2 of 4 stars). 4 submissions from 3 submitters: Uncertain significance (4). Last evaluated 2026-02-26.

Conditions:
SAG-related disorder. Also called: SAG-related disorders; SAG-related condition.
Retinitis pigmentosa (RP). Identifiers: Orphanet 791, MedGen C0035334, MeSH D012174, MONDO:0019200, OMIM 268000. Inheritance: Autosomal dominant, autosomal recessive and X linked inheritance.
Oguchi disease. Also called: Oguchi's disease. Identifiers: Orphanet 75382, MedGen C1306122, MONDO:0019152.

Allele frequency attached by ClinVar (database versions not stated): gnomAD exomes below 0.00001 and 0.00002; ExAC 0.00002; gnomAD 0.00005 and 0.00006; TOPMed 0.00007; ESP Exome Variant Server 0.00008.
gnomAD v4.1: 14 of 1,613,924 alleles (0.00087%); highest among the groups gnomAD compares: African/African-American, 0.012%; no homozygotes.

Submissions (4):

PreventionGenetics, part of Exact Sciences
Classification: Uncertain significance for SAG-related condition. Last evaluated: 2026-02-26. Review status: criteria provided, single submitter. Criteria: ACMG Guidelines, 2015. Collection method: clinical testing. Allele origin: germline.
Comment: The SAG c.838A>G variant is predicted to result in the amino acid substitution p.Lys280Glu. To our knowledge, this variant has not been reported in the literature. This variant is reported in 0.017% of alleles in individuals of African descent in gnomAD. At this time, the clinical significance of this variant is uncertain due to the absence of conclusive functional and genetic evidence.

Labcorp Genetics (formerly Invitae), Labcorp
Classification: Uncertain significance. Last evaluated: 2025-07-30. Review status: criteria provided, single submitter. Criteria: Invitae Variant Classification Sherloc (09022015). Collection method: clinical testing. Allele origin: germline.
Comment: This sequence change replaces lysine, which is basic and polar, with glutamic acid, which is acidic and polar, at codon 280 of the SAG protein (p.Lys280Glu). This variant is present in population databases (rs373986650, gnomAD 0.02%). This variant has not been reported in the literature in individuals affected with SAG-related conditions. ClinVar contains an entry for this variant (Variation ID: 335071). Invitae Evidence Modeling of protein sequence and biophysical properties (such as structural, functional, and spatial information, amino acid conservation, physicochemical variation, residue mobility, and thermodynamic stability) indicates that this missense variant is not expected to disrupt SAG protein function with a negative predictive value of 80%. In summary, the available evidence is currently insufficient to determine the role of this variant in disease. Therefore, it has been classified as a Variant of Uncertain Significance.

Illumina Laboratory Services, Illumina
Classification: Uncertain significance for Retinitis pigmentosa. Last evaluated: 2018-01-13. Review status: criteria provided, single submitter. Criteria: ICSL Variant Classification Criteria 13 December 2019. Collection method: clinical testing. Allele origin: germline.

Illumina Laboratory Services, Illumina
Classification: Uncertain significance for Oguchi disease-1. Last evaluated: 2018-01-13. Review status: criteria provided, single submitter. Criteria: ICSL Variant Classification Criteria 13 December 2019. Collection method: clinical testing. Allele origin: germline.